The following is an entry in ClinVar:

ClinVar aggregate classification (germline): Uncertain significance (1 of 4 stars; one submission).

Conditions:
Hereditary cancer-predisposing syndrome. Also called: Neoplastic Syndromes, Hereditary; Tumor predisposition; Hereditary Cancer Syndrome; Hereditary neoplastic syndrome. Identifiers: Orphanet 140162, MedGen C0027672, MeSH D009386, MONDO:0015356.

Submission:

Ambry Genetics
Classification: Uncertain significance for Hereditary cancer-predisposing syndrome. Last evaluated: 2025-02-21. Review status: criteria provided, single submitter. Criteria: Ambry Variant Classification Scheme 2023. Collection method: clinical testing. Allele origin: germline.
Comment: The p.H418N variant (also known as c.1252C>A), located in coding exon 9 of the FH gene, results from a C to A substitution at nucleotide position 1252. The histidine at codon 418 is replaced by asparagine, an amino acid with similar properties. This amino acid position is not well conserved in available vertebrate species. In addition, this alteration is predicted to be tolerated by in silico analysis. Based on the available evidence, the clinical significance of this variant remains unclear.

NM_000143.4(FH):c.1252C>A (p.His418Asn)

Gene: FH (fumarate hydratase; minus strand). Cytogenetic location: 1q43.
Variant type: single nucleotide variant.
Coding change: c.1252C>A on transcript NM_000143.4 (MANE Select); coding-DNA position 1252, C replaced by A.
Protein change: p.His418Asn; replaces histidine 418 with asparagine.
Molecular consequence: missense variant.
Genome position (GRCh38, 1-based): chr1:241,500,575, G>T on the plus strand (C>A on the coding strand, the complement: FH is on the minus strand). VCF-style: chr1-241500575-G-T. GRCh37 (hg19) VCF-style: chr1-241663875-G-T.
Other names: short protein forms H418N.
Identifiers: ClinVar variation 1761006 (VCV001761006.3), dbSNP rs2527313187, ClinGen allele CA345436893.